The following is an entry in ClinVar:

ClinVar aggregate classification (germline): Uncertain significance (1 of 4 stars; one submission).

Submission:

GeneDx
Classification: Uncertain significance. Last evaluated: 2024-06-26. Review status: criteria provided, single submitter. Criteria: GeneDx Variant Classification Process June 2021. Collection method: clinical testing. Allele origin: germline. Affected: yes.
Comment: Not observed at significant frequency in large population cohorts (gnomAD); In silico analysis supports that this missense variant has a deleterious effect on protein structure/function; Has not been previously published as pathogenic or benign to our knowledge; This substitution is predicted to be in the cytoplasmic loop between the first and second homologous domains

NM_001330260.2(SCN8A):c.2254G>C (p.Asp752His)

Gene: SCN8A (sodium voltage-gated channel alpha subunit 8; plus strand). Cytogenetic location: 12q13.13.
Variant type: single nucleotide variant.
Coding change: c.2254G>C on transcript NM_001330260.2 (MANE Select); coding-DNA position 2254, G replaced by C.
Protein change: p.Asp752His; replaces aspartic acid 752 with histidine.
Molecular consequence: missense variant.
Genome position (GRCh38, 1-based): chr12:51,751,477, G>C. VCF-style: chr12-51751477-G-C. GRCh37 (hg19) VCF-style: chr12-52145261-G-C.
Other names: c.2254G>C, p.Asp752His (NM_001177984.3, NM_001369788.1, NM_014191.4); short protein forms D752H.
Identifiers: ClinVar variation 3393611 (VCV003393611.1).